The following is an entry in ClinVar:

NM_004415.4(DSP):c.7869del (p.Phe2623fs)

Gene: DSP (desmoplakin; plus strand). Cytogenetic location: 6p24.3.
Variant type: Deletion.
Coding change: c.7869del on transcript NM_004415.4 (MANE Select); coding-DNA position 7869, one base deleted (T; older notation c.7869delT).
Protein change: p.Phe2623fs; shifts the reading frame from phenylalanine 2623.
Molecular consequence: frameshift variant.
Genome position (GRCh38, 1-based): chr6:7,585,131, T deleted; the last of 3 consecutive T bases (chr6:7,585,129-7,585,131); deleting any one gives the same sequence. VCF-style (leftmost placement, unchanged base first): chr6-7585128-CT-C. GRCh37 (hg19) VCF-style: chr6-7585361-CT-C.
Other names: c.6072del, p.Phe2024fs (NM_001008844.3); c.6540del, p.Phe2180fs (NM_001319034.2); short protein forms F2024fs, F2180fs, F2623fs.
Identifiers: ClinVar variation 3386726 (VCV003386726.2).

ClinVar aggregate classification (germline): Likely pathogenic. Review status: criteria provided, multiple submitters, no conflicts (2 of 4 stars). 2 submissions from 2 submitters: Likely pathogenic (2). Last evaluated 2024-06-09.

Conditions:
Cardiomyopathy (CMYO). Also called: Cardiomyopathies. Identifiers: Orphanet 167848, MedGen C0878544, MONDO:0004994, HP:0001638. Inheritance: Various modes of inheritance.
Arrhythmogenic cardiomyopathy with wooly hair and keratoderma. Also called: Carvajal syndrome; PALMOPLANTAR KERATODERMA WITH LEFT VENTRICULAR CARDIOMYOPATHY AND WOOLLY HAIR; Dilated cardiomyopathy with woolly hair and keratoderma; Arrhythmogenic cardiomyopathy with woolly hair and keratoderma. Identifiers: Orphanet 65282, MedGen C1854063, MONDO:0011581, OMIM 605676.

Submissions (2):

All of Us Research Program, National Institutes of Health
Classification: Likely pathogenic for Arrhythmogenic cardiomyopathy with wooly hair and keratoderma. Last evaluated: 2024-06-09. Review status: criteria provided, single submitter. Criteria: ACMG Guidelines, 2015. Collection method: clinical testing. Allele origin: germline. Inheritance: Autosomal dominant inheritance. Observed: 1 variant allele, 1 heterozygote.
Comment: This variant deletes 1 nucleotide in exon 24 of the DSP gene, creating a frameshift and premature translation stop signal in the last exon. This variant is predicted to escape nonsense-mediated decay and be expressed as a truncated protein. Although functional studies have not been reported, this variant is expected to disrupt the plakin repeat domain C (a.a. 2609-2822). Plakin repeat domains and downstream C-terminal sequence have been reported to be essential for interaction with intermediate filaments (PMID: 12101406, 12802069, 21756917). In addition, truncating variants occurring downstream of this variant are known to be disease-causing (ClinVar variation ID: 246676, 263803, 518482). To our knowledge, this variant has not been reported in individuals affected with DSP-related disorders in the literature. This variant has not been identified in the general population by the Genome Aggregation Database (gnomAD). Loss of DSP function is a known mechanism of disease. Based on the available evidence, this variant is classified as Likely Pathogenic.

This study involves interpretation of variants in research participants for the purpose of population health screening. Participant phenotype was not available at the time of variant classification. Additional details can be found in publication PMID: 35346344, PMCID: PMC8962531

Color Diagnostics, LLC DBA Color Health
Classification: Likely pathogenic for Cardiomyopathy. Last evaluated: 2024-04-18. Review status: criteria provided, single submitter. Criteria: ACMG Guidelines, 2015. Collection method: clinical testing. Allele origin: germline.
Comment: This variant deletes 1 nucleotide in exon 24 of the DSP gene, creating a frameshift and premature translation stop signal in the last exon. This variant is predicted to escape nonsense-mediated decay and be expressed as a truncated protein. Although functional studies have not been reported, this variant is expected to disrupt the plakin repeat domain C (a.a. 2609-2822). Plakin repeat domains and downstream C-terminal sequence have been reported to be essential for interaction with intermediate filaments (PMID: 12101406, 12802069, 21756917). In addition, truncating variants occurring downstream of this variant are known to be disease-causing (ClinVar variation ID: 246676, 263803, 518482). To our knowledge, this variant has not been reported in individuals affected with DSP-related disorders in the literature. This variant has not been identified in the general population by the Genome Aggregation Database (gnomAD). Loss of DSP function is a known mechanism of disease. Based on the available evidence, this variant is classified as Likely Pathogenic.

Literature cited by the submitters: PubMed 12101406 (cited by All of Us Research Program, National Institutes of Health and Color Diagnostics, LLC DBA Color Health); PubMed 12802069 (cited by All of Us Research Program, National Institutes of Health and Color Diagnostics, LLC DBA Color Health); PubMed 21756917 (cited by All of Us Research Program, National Institutes of Health and Color Diagnostics, LLC DBA Color Health).